The following is an entry in ClinVar:

GRCh37/hg19 9q22.32(chr9:98089678-98282528)x1

Gene: PTCH1 (patched 1; minus strand). Cytogenetic location: 9q22.32.
Variant type: copy number loss.
Change: copy number 1 (one copy instead of two) of chr9:98,089,678-98,282,528 (192.9 kb, GRCh37 coordinates, 1-based), cytogenetic band 9q22.32.
Identifiers: ClinVar variation 1341064 (VCV001341064.1).

ClinVar aggregate classification (germline): Pathogenic (0 of 4 stars; one submission).

Submission:

Quest Diagnostics Nichols Institute San Juan Capistrano
Classification: Pathogenic. Last evaluated: 2021-02-01. Review status: no assertion criteria provided. Collection method: clinical testing. Allele origin: germline.
Comment: This imbalance is expected to cause phenotypic and/or developmental abnormalities. Haploinsufficiency of PTCH1, due to deletion or loss of function mutations, has been linked to nevoid basal cell carcinoma syndrome (Gorlin syndrome OMIM #109400). Gorlin syndrome is an autosomal dominant disorder that can be manifested with multiple basal cell carcinomas (BCCs), cysts of the jaws, hyperkeratosis of palms and soles, skeletal abnormalities (bifid ribs /hemivertebrae), intracranial ectopic calcifications, facial dysmorphism, and increased risk for medulloblastoma (Lo Muzio, Orphanet J Rare Dis. 2008 Nov 25;3:32; PMID: 19032739 ). Mutations of PTCH1 gene have also been linked to holoprosencephaly-7 anomaly (OMIM #610828) manifested by intellectual disability and craniofacial malformation (Ming etal, Hum Genet. 2002 Apr;110(4):297-301; PMID: 11941477). The gene encoding for Fanconi's anemia complementation group C (FANCC) is one of the genes implicated in this genetically heterogenous autosomal recessive disease characterized mainly by bone marrow failure (Lo Ten Foe et al, Eur J Hum Genet. 1997 May-Jun;5(3):137-48; PMID: 9272737).